The following is an entry in ClinVar:

ClinVar aggregate classification (germline): Likely pathogenic (1 of 4 stars; one submission).

Conditions:
Juvenile retinoschisis (RS1). Also called: X-linked retinoschisis; X-Linked Juvenile Retinoschisis. Identifiers: Orphanet 792, MedGen C3714753, MONDO:0010725, OMIM 312700.

Submission:

North West Genomic Laboratory Hub, Manchester University NHS Foundation Trust
Classification: Likely pathogenic for Juvenile retinoschisis. Last evaluated: 2024-04-15. Review status: criteria provided, single submitter. Criteria: ACGS Best Practice Guidelines for Variant Classification in Rare Disease 2020. Collection method: clinical testing. Allele origin: germline. Affected: yes.
Comment: PS4_Supp PM2_Mod PVS1_Str

NM_000330.4(RS1):c.522+2dup

Genes: CDKL5 (cyclin dependent kinase like 5; plus strand), RS1 (retinoschisin 1; minus strand). Cytogenetic location: Xp22.13.
Variant type: Duplication.
Coding change: c.522+2dup on transcript NM_000330.4 (MANE Select); the canonical splice donor site of the intron after coding-DNA position 522, one base duplicated (T; older notation c.522+2dupT).
Molecular consequence: splice donor variant. On other transcripts: intron variant (2).
Genome position (GRCh38, 1-based): chrX:18,644,428, A duplicated on the plus strand (T on the coding strand, the reverse complement: RS1 is on the minus strand). VCF-style (leftmost placement, unchanged base first): chrX-18644427-T-TA. GRCh37 (hg19) VCF-style: chrX-18662547-T-TA.
Other names: c.2714-1579dup (NM_003159.3, NM_001037343.2).
Identifiers: ClinVar variation 4540563 (VCV004540563.1).